The following is an entry in ClinVar:

ClinVar aggregate classification (germline): Conflicting classifications of pathogenicity. Review status: criteria provided, conflicting classifications (1 of 4 stars). 7 submissions from 7 submitters: Uncertain significance (6); Likely benign (1). Last evaluated 2023-09-26.

Conditions:
Epilepsy, idiopathic generalized, susceptibility to, 18. Identifiers: MedGen C5561983, MONDO:0030434, OMIM 619521.
Sick sinus syndrome 2, autosomal dominant (SSS2). Also called: SINUS BRADYCARDIA SYNDROME, FAMILIAL, AUTOSOMAL DOMINANT; SINUS NODE DISEASE, FAMILIAL, AUTOSOMAL DOMINANT; ATRIAL FIBRILLATION WITH BRADYARRHYTHMIA; SICK SINUS SYNDROME 2; SICK SINUS SYNDROME 2 WITH OR WITHOUT CARDIAC NONCOMPACTION AND/OR ASCENDING AORTA DILATION. Identifiers: Orphanet 166282, MedGen C1834144, MONDO:0008102, OMIM 163800.
Brugada syndrome 8 (BRGDA8). Identifiers: Orphanet 130, MedGen C2751083, MONDO:0013148, OMIM 613123.
Cardiovascular phenotype. Identifiers: MedGen CN230736.
Atrial fibrillation. Identifiers: MedGen C0004238, MONDO:0004981, HP:0005110.

Allele frequency attached by ClinVar (database versions not stated): gnomAD 0.00001; gnomAD exomes 0.00002; TOPMed 0.00002; ExAC 0.00003; ESP Exome Variant Server 0.00008.
gnomAD v4.1: 28 of 1,585,026 alleles (0.0018%); highest among the groups gnomAD compares: Middle Eastern, 0.017%; no homozygotes.

Submissions (7):

GeneDx
Classification: Uncertain significance. Last evaluated: 2023-09-26. Review status: criteria provided, single submitter. Criteria: GeneDx Variant Classification Process June 2021. Collection method: clinical testing. Allele origin: germline. Affected: yes.
Comment: Not observed at significant frequency in large population cohorts (gnomAD); In silico analysis supports that this missense variant does not alter protein structure/function; Has not been previously published as pathogenic or benign to our knowledge

Labcorp Genetics (formerly Invitae), Labcorp
Classification: Uncertain significance for Brugada syndrome 8. Last evaluated: 2023-05-10. Review status: criteria provided, single submitter. Criteria: Invitae Variant Classification Sherloc (09022015). Collection method: clinical testing. Allele origin: germline.
Comment: ClinVar contains an entry for this variant (Variation ID: 404123). This variant has not been reported in the literature in individuals affected with HCN4-related conditions. The frequency data for this variant in the population databases is considered unreliable, as metrics indicate poor data quality at this position in the gnomAD database. This sequence change replaces glycine, which is neutral and non-polar, with arginine, which is basic and polar, at codon 906 of the HCN4 protein (p.Gly906Arg). Advanced modeling of protein sequence and biophysical properties (such as structural, functional, and spatial information, amino acid conservation, physicochemical variation, residue mobility, and thermodynamic stability) performed at Invitae indicates that this missense variant is not expected to disrupt HCN4 protein function. In summary, the available evidence is currently insufficient to determine the role of this variant in disease. Therefore, it has been classified as a Variant of Uncertain Significance.

Blueprint Genetics
Classification: Likely benign. Last evaluated: 2023-05-08. Review status: criteria provided, single submitter. Criteria: ACMG Guidelines, 2015. Collection method: clinical testing. Allele origin: germline.

Fulgent Genetics
Classification: Uncertain significance for Sick sinus syndrome 2, autosomal dominant; Brugada syndrome 8; Epilepsy, idiopathic generalized, susceptibility to, 18. Last evaluated: 2022-01-10. Review status: criteria provided, single submitter. Criteria: ACMG Guidelines, 2015. Collection method: clinical testing. Allele origin: unknown.

Ambry Genetics
Classification: Uncertain significance for Cardiovascular phenotype. Last evaluated: 2021-06-23. Review status: criteria provided, single submitter. Criteria: Ambry Variant Classification Scheme 2023. Collection method: clinical testing. Allele origin: germline.
Comment: The p.G906R variant (also known as c.2716G>A), located in coding exon 8 of the HCN4 gene, results from a G to A substitution at nucleotide position 2716. The glycine at codon 906 is replaced by arginine, an amino acid with dissimilar properties. This amino acid position is conserved. In addition, the in silico prediction for this alteration is inconclusive. Since supporting evidence is limited at this time, the clinical significance of this alteration remains unclear.

Center for Advanced Laboratory Medicine, UC San Diego Health, University of California San Diego
Classification: Uncertain significance for Atrial fibrillation. Last evaluated: 2018-05-26. Review status: criteria provided, single submitter. Criteria: ACMG Guidelines, 2015. Collection method: clinical testing. Allele origin: germline. Affected: yes. Observed: 1 variant allele.

Stanford Center for Inherited Cardiovascular Disease, Stanford University
Classification: Uncertain significance. Last evaluated: 2016-08-16. Review status: criteria provided, single submitter. Criteria: ACMG Guidelines, 2015. Collection method: provider interpretation. Allele origin: germline.

NM_005477.3(HCN4):c.2716G>A (p.Gly906Arg)

Gene: HCN4 (hyperpolarization activated cyclic nucleotide gated potassium channel 4; minus strand). Cytogenetic location: 15q24.1.
Variant type: single nucleotide variant.
Coding change: c.2716G>A on transcript NM_005477.3 (MANE Select); coding-DNA position 2716, G replaced by A.
Protein change: p.Gly906Arg; replaces glycine 906 with arginine.
Molecular consequence: missense variant.
Genome position (GRCh38, 1-based): chr15:73,323,377, C>T on the plus strand (G>A on the coding strand, the complement: HCN4 is on the minus strand). VCF-style: chr15-73323377-C-T. GRCh37 (hg19) VCF-style: chr15-73615718-C-T.
Other names: short protein forms G906R.
Identifiers: ClinVar variation 404123 (VCV000404123.15), dbSNP rs373572497, ClinGen allele CA7648965.